The following is an entry in ClinVar:

NM_002637.4(PHKA1):c.2689A>G (p.Ile897Val)

Gene: PHKA1 (phosphorylase kinase regulatory subunit alpha 1; minus strand). Cytogenetic location: Xq13.1.
Variant type: single nucleotide variant.
Coding change: c.2689A>G on transcript NM_002637.4 (MANE Select); coding-DNA position 2689, A replaced by G.
Protein change: p.Ile897Val; replaces isoleucine 897 with valine.
Molecular consequence: missense variant.
Genome position (GRCh38, 1-based): chrX:72,605,397, T>C on the plus strand (A>G on the coding strand, the complement: PHKA1 is on the minus strand). VCF-style: chrX-72605397-T-C. GRCh37 (hg19) VCF-style: chrX-71825247-T-C.
Other names: c.2689A>G, p.Ile897Val (NM_001122670.2); c.2512A>G, p.Ile838Val (NM_001172436.2); short protein forms I897V, I838V.
Identifiers: ClinVar variation 1996910 (VCV001996910.5), dbSNP rs2522420279, ClinGen allele CA413589166.

ClinVar aggregate classification (germline): Uncertain significance (1 of 4 stars; one submission).

Conditions:
Glycogen storage disease IXd (GSD9D). Also called: Muscle Phosphorylase Kinase Deficiency; GSD IXd. Identifiers: Orphanet 715, MedGen C1845151, MONDO:0010362, OMIM 300559.

Submissions (2):

Labcorp Genetics (formerly Invitae), Labcorp
Classification: Uncertain significance for Glycogen storage disease IXd. Last evaluated: 2024-08-12. Review status: criteria provided, single submitter. Criteria: Invitae Variant Classification Sherloc (09022015). Collection method: clinical testing. Allele origin: germline.
Comment: This sequence change replaces isoleucine, which is neutral and non-polar, with valine, which is neutral and non-polar, at codon 897 of the PHKA1 protein (p.Ile897Val). This variant is not present in population databases (gnomAD no frequency). This variant has not been reported in the literature in individuals affected with PHKA1-related conditions. ClinVar contains an entry for this variant (Variation ID: 1996910). Advanced modeling of protein sequence and biophysical properties (such as structural, functional, and spatial information, amino acid conservation, physicochemical variation, residue mobility, and thermodynamic stability) has been performed at Invitae for this missense variant, however the output from this modeling did not meet the statistical confidence thresholds required to predict the impact of this variant on PHKA1 protein function. In summary, the available evidence is currently insufficient to determine the role of this variant in disease. Therefore, it has been classified as a Variant of Uncertain Significance.

Dr. Peter K. Rogan Lab, Western University
No classification provided (evidence only). Condition: Nonpapillary renal cell carcinoma. Review status: no classification provided. Collection method: in vitro. Allele origin: not applicable. Functional consequence: retained intron. Not counted in ClinVar's aggregate classification.